The following is an entry in ClinVar:

NM_017950.4(CCDC40):c.470C>T (p.Thr157Ile)

Gene: CCDC40 (coiled-coil domain 40 molecular ruler complex subunit; plus strand). Cytogenetic location: 17q25.3.
Variant type: single nucleotide variant.
Coding change: c.470C>T on transcript NM_017950.4 (MANE Select); coding-DNA position 470, C replaced by T.
Protein change: p.Thr157Ile; replaces threonine 157 with isoleucine.
Molecular consequence: missense variant.
Genome position (GRCh38, 1-based): chr17:80,040,188, C>T. VCF-style: chr17-80040188-C-T. GRCh37 (hg19) VCF-style: chr17-78013987-C-T.
Other names: c.470C>T, p.Thr157Ile (NM_001243342.2, NM_001330508.2); short protein forms T157I.
Identifiers: ClinVar variation 260974 (VCV000260974.4), dbSNP rs755159452, ClinGen allele CA8813446.

ClinVar aggregate classification (germline): Conflicting classifications of pathogenicity. Review status: criteria provided, conflicting classifications (1 of 4 stars). 2 submissions from 2 submitters: Uncertain significance (1); Likely benign (1). Last evaluated 2022-02-17.

Conditions:
Primary ciliary dyskinesia. Also called: Ciliary dyskinesia. Identifiers: Orphanet 244, MedGen C0008780, MONDO:0016575, HP:0012265.

Allele frequency attached by ClinVar (database versions not stated): TOPMed 0.00002; ExAC 0.00003; gnomAD 0.00003 and 0.00004.
gnomAD v4.1: 28 of 1,613,766 alleles (0.0017%); highest among the groups gnomAD compares: Middle Eastern, 0.033%; no homozygotes.

Submissions (2):

Ambry Genetics
Classification: Uncertain significance for Primary ciliary dyskinesia. Last evaluated: 2022-02-17. Review status: criteria provided, single submitter. Criteria: Ambry Variant Classification Scheme 2023. Collection method: clinical testing. Allele origin: germline.
Comment: The p.T157I variant (also known as c.470C>T), located in coding exon 3 of the CCDC40 gene, results from a C to T substitution at nucleotide position 470. The threonine at codon 157 is replaced by isoleucine, an amino acid with similar properties. This amino acid position is conserved. In addition, this alteration is predicted to be tolerated by in silico analysis. Since supporting evidence is limited at this time, the clinical significance of this alteration remains unclear.

PreventionGenetics, part of Exact Sciences
Classification: Likely benign. Review status: criteria provided, single submitter. Criteria: ACMG Guidelines, 2015. Collection method: clinical testing. Allele origin: germline.